The following is an entry in ClinVar:

ClinVar aggregate classification (germline): Likely benign. Review status: criteria provided, multiple submitters, no conflicts (2 of 4 stars). 2 submissions from 2 submitters: Likely benign (2). Last evaluated 2024-10-17.

Conditions:
Autosomal recessive spinocerebellar ataxia 12. Also called: SPINOCEREBELLAR ATAXIA WITH MENTAL RETARDATION AND EPILEPSY. Identifiers: Orphanet 284282, MedGen C3280452, MONDO:0013687, OMIM 614322.
Developmental and epileptic encephalopathy, 1 (DEE1). Also called: OHTAHARA SYNDROME, X-LINKED; INFANTILE SPASM SYNDROME, X-LINKED 1; Epileptic encephalopathy, early infantile, 1; X-linked infantile spasms; West's syndrome; Tonic spasms with clustering, arrest of psychomotor development and hypsarrhythmia on EEG. Identifiers: MedGen C3463992, MONDO:0010632, OMIM 308350. Disease mechanism: loss of function.

gnomAD v4.1: 2 of 1,614,202 alleles (0.00012%); highest among the groups gnomAD compares: Non-Finnish European, 0.00017%; no homozygotes.

Submissions (2):

Labcorp Genetics (formerly Invitae), Labcorp
Classification: Likely benign for Developmental and epileptic encephalopathy, 1; Autosomal recessive spinocerebellar ataxia 12. Last evaluated: 2024-10-17. Review status: criteria provided, single submitter. Criteria: Invitae Variant Classification Sherloc (09022015). Collection method: clinical testing. Allele origin: germline.

GeneDx
Classification: Likely benign. Last evaluated: 2017-09-20. Review status: criteria provided, single submitter. Criteria: GeneDx Variant Classification (06012015). Collection method: clinical testing. Allele origin: germline. Affected: yes.
Comment: This variant is considered likely benign or benign based on one or more of the following criteria: it is a conservative change, it occurs at a poorly conserved position in the protein, it is predicted to be benign by multiple in silico algorithms, and/or has population frequency not consistent with disease.

NM_016373.4(WWOX):c.1197G>T (p.Ala399=)

Genes: MAF (MAF bZIP transcription factor; minus strand), WWOX (WW domain containing oxidoreductase; plus strand). Cytogenetic location: 16q23.2.
Variant type: single nucleotide variant.
Coding change: c.1197G>T on transcript NM_016373.4 (MANE Select); coding-DNA position 1197, G replaced by T.
Protein change: p.Ala399=; no amino-acid change (alanine 399 retained).
Molecular consequence: synonymous variant.
Genome position (GRCh38, 1-based): chr16:79,211,748, G>T. VCF-style: chr16-79211748-G-T. GRCh37 (hg19) VCF-style: chr16-79245645-G-T.
Other names: c.858G>T, p.Ala286= (NM_001291997.2).
Identifiers: ClinVar variation 512201 (VCV000512201.10), dbSNP rs376935572, ClinGen allele CA8183788.